The following is an entry in ClinVar:

ClinVar aggregate classification (germline): Uncertain significance (1 of 4 stars; one submission).

Submission:

Ambry Genetics
Classification: Uncertain significance. Last evaluated: 2024-08-12. Review status: criteria provided, single submitter. Criteria: Ambry Variant Classification Scheme 2023. Collection method: clinical testing. Allele origin: germline.
Comment: The p.Q6R variant (also known as c.17A>G), located in coding exon 1 of the EGLN2 gene, results from an A to G substitution at nucleotide position 17. The glutamine at codon 6 is replaced by arginine, an amino acid with highly similar properties. This amino acid position is conserved. In addition, this alteration is predicted to be tolerated by in silico analysis. Based on the available evidence, the clinical significance of this variant remains unclear.

NM_080732.4(EGLN2):c.17A>G (p.Gln6Arg)

Genes: EGLN2 (egl-9 family hypoxia inducible factor 2; plus strand), RAB4B-EGLN2 (RAB4B-EGLN2 readthrough (NMD candidate); plus strand). Cytogenetic location: 19q13.2.
Variant type: single nucleotide variant.
Coding change: c.17A>G on transcript NM_080732.4 (MANE Select); coding-DNA position 17, A replaced by G.
Protein change: p.Gln6Arg; replaces glutamine 6 with arginine.
Molecular consequence: missense variant. On other transcripts: non-coding transcript variant (1).
Genome position (GRCh38, 1-based): chr19:40,800,589, A>G. VCF-style: chr19-40800589-A-G. GRCh37 (hg19) VCF-style: chr19-41306494-A-G.
Other names: c.17A>G, p.Gln6Arg (NM_053046.4); short protein forms Q6R.
Identifiers: ClinVar variation 3507273 (VCV003507273.1).